The following is an entry in ClinVar:

ClinVar aggregate classification (germline): Pathogenic (0 of 4 stars; one submission).

Conditions:
Chronic progressive multiple sclerosis. Identifiers: MedGen C0393665, MONDO:0005284.

Submission:

Demyelinating Disease Laboratories, VA Medical Center and University of Tennessee
Classification: Pathogenic. Review status: no assertion criteria provided. Collection method: not provided. Allele origin: somatic.
ClinVar note: Converted during submission from pathogenic to Pathogenic.

NM_031157.4(HNRNPA1):c.973T>G (p.Phe325Val)

Gene: HNRNPA1 (heterogeneous nuclear ribonucleoprotein A1; plus strand). Cytogenetic location: 12q13.13.
Variant type: single nucleotide variant.
Coding change: c.973T>G on transcript NM_031157.4 (MANE Select); coding-DNA position 973, T replaced by G.
Protein change: p.Phe325Val; replaces phenylalanine 325 with valine.
Molecular consequence: missense variant. On other transcripts: non-coding transcript variant (1).
Genome position (GRCh38, 1-based): chr12:54,283,877, T>G. VCF-style: chr12-54283877-T-G. GRCh37 (hg19) VCF-style: chr12-54677661-T-G.
Other names: c.817T>G, p.Phe273Val (NM_002136.4); short protein forms F325V, F273V.
Identifiers: ClinVar variation 135595 (VCV000135595.2), dbSNP rs483353028, ClinGen allele CA163044.
Genomic context (GRCh38, chr12:54,283,877, plus strand): 5'-AATTTTGGAGGTGGTGGAAGCTACAATGATTTTGGGAATTACAACAATCAGTCTTCAAAT[T>G]TTGGACCCATGAAGGGAGGAAATTTTGGAGGCAGAAGCTCTGGCCCCTATGGCGGTGGAG-3'
Protein context (NP_112420.1, residues 315-335): FGNYNNQSSN[Phe325Val]GPMKGGNFGG